The following is an entry in ClinVar:

NM_004523.4(KIF11):c.1117G>A (p.Ala373Thr)

Gene: KIF11 (kinesin family member 11; plus strand). Cytogenetic location: 10q23.33.
Variant type: single nucleotide variant.
Coding change: c.1117G>A on transcript NM_004523.4 (MANE Select); coding-DNA position 1117, G replaced by A.
Protein change: p.Ala373Thr; replaces alanine 373 with threonine.
Molecular consequence: missense variant.
Genome position (GRCh38, 1-based): chr10:92,616,821, G>A. VCF-style: chr10-92616821-G-A. GRCh37 (hg19) VCF-style: chr10-94376578-G-A.
Other names: c.1117G>A (NM_004523.3); short protein forms A373T.
Identifiers: ClinVar variation 1353309 (VCV001353309.7), dbSNP rs780485814, ClinGen allele CA5604122.

ClinVar aggregate classification (germline): Uncertain significance. Review status: criteria provided, multiple submitters, no conflicts (2 of 4 stars). 2 submissions from 2 submitters: Uncertain significance (2). Last evaluated 2025-03-20.

Conditions:
KIF11-related disorder. Also called: KIF11-related condition.

Allele frequency attached by ClinVar (database versions not stated): gnomAD exomes below 0.00001; TOPMed 0.00001; ExAC 0.00002.
gnomAD v4.1: 2 of 1,581,990 alleles (0.00013%); highest among the groups gnomAD compares: Admixed American, 0.0035%; no homozygotes.

Submissions (2):

PreventionGenetics, part of Exact Sciences
Classification: Uncertain significance for KIF11-related condition. Last evaluated: 2025-03-20. Review status: criteria provided, single submitter. Criteria: ACMG Guidelines, 2015. Collection method: clinical testing. Allele origin: germline.
Comment: The KIF11 c.1117G>A variant is predicted to result in the amino acid substitution p.Ala373Thr. To our knowledge, this variant has not been reported in the literature. This variant is present in 0.0032% of alleles in individuals of Latino descent in gnomAD. At this time, the clinical significance of this variant is uncertain due to the absence of conclusive functional and genetic evidence.

Labcorp Genetics (formerly Invitae), Labcorp
Classification: Uncertain significance. Last evaluated: 2021-11-18. Review status: criteria provided, single submitter. Criteria: Invitae Variant Classification Sherloc (09022015). Collection method: clinical testing. Allele origin: germline.
Comment: The frequency data for this variant in the population databases is considered unreliable, as metrics indicate poor data quality at this position in the gnomAD database. In summary, the available evidence is currently insufficient to determine the role of this variant in disease. Therefore, it has been classified as a Variant of Uncertain Significance. Algorithms developed to predict the effect of missense changes on protein structure and function (SIFT, PolyPhen-2, Align-GVGD) all suggest that this variant is likely to be disruptive. This variant has not been reported in the literature in individuals affected with KIF11-related conditions. This sequence change replaces alanine, which is neutral and non-polar, with threonine, which is neutral and polar, at codon 373 of the KIF11 protein (p.Ala373Thr).